The following is an entry in ClinVar:

NM_001267550.2(TTN):c.104089A>G (p.Ser34697Gly)

Genes: TTN (titin; minus strand), TTN-AS1 (TTN antisense RNA 1; plus strand). Cytogenetic location: 2q31.2.
Variant type: single nucleotide variant.
Coding change: c.104089A>G on transcript NM_001267550.2 (MANE Select); coding-DNA position 104089, A replaced by G.
Protein change: p.Ser34697Gly; replaces serine 34697 with glycine.
Molecular consequence: missense variant.
Genome position (GRCh38, 1-based): chr2:178,532,526, T>C on the plus strand (A>G on the coding strand, the complement: TTN is on the minus strand). VCF-style: chr2-178532526-T-C. GRCh37 (hg19) VCF-style: chr2-179397253-T-C.
Other names: c.99166A>G, p.Ser33056Gly (NM_001256850.1); c.76894A>G, p.Ser25632Gly (NM_003319.4); c.96385A>G, p.Ser32129Gly (NM_133378.4); c.77269A>G, p.Ser25757Gly (NM_133432.3); c.77470A>G, p.Ser25824Gly (NM_133437.4); short protein forms S34697G, S25824G, S25632G, S25757G, S32129G, S33056G.
Identifiers: ClinVar variation 466725 (VCV000466725.7), dbSNP rs1177374613, ClinGen allele CA349412559.

ClinVar aggregate classification (germline): Uncertain significance (1 of 4 stars; one submission).

Conditions:
Autosomal recessive limb-girdle muscular dystrophy type 2J (LGMDR10). Also called: Limb-girdle muscular dystrophy, type 2J; MUSCULAR DYSTROPHY, LIMB-GIRDLE, AUTOSOMAL RECESSIVE 10. Identifiers: Orphanet 140922, MedGen C1837342, MONDO:0012127, OMIM 608807.
Dilated cardiomyopathy 1G (CMD1G). Identifiers: Orphanet 154, MedGen C1858763, MONDO:0011400, OMIM 604145.

Allele frequency attached by ClinVar (database versions not stated): gnomAD exomes 0.00001.
gnomAD v4.1: 2 of 1,613,952 alleles (0.00012%); highest among the groups gnomAD compares: Admixed American, 0.0033%; no homozygotes.

Submission:

Labcorp Genetics (formerly Invitae), Labcorp
Classification: Uncertain significance for Dilated cardiomyopathy 1G; Autosomal recessive limb-girdle muscular dystrophy type 2J. Last evaluated: 2024-11-03. Review status: criteria provided, single submitter. Criteria: Invitae Variant Classification Sherloc (09022015). Collection method: clinical testing. Allele origin: germline.
Comment: This sequence change replaces serine, which is neutral and polar, with glycine, which is neutral and non-polar, at codon 34697 of the TTN protein (p.Ser34697Gly). This variant is present in population databases (no rsID available, gnomAD 0.006%). This variant has not been reported in the literature in individuals affected with TTN-related conditions. ClinVar contains an entry for this variant (Variation ID: 466725). Experimental studies and prediction algorithms are not available or were not evaluated, and the functional significance of this variant is currently unknown. This variant is located in the M band of TTN (PMID: 25589632). Non-truncating variants in this region may be relevant for neuromuscular disorders, but have not been definitively shown to cause cardiomyopathy (PMID: 23975875). In summary, the available evidence is currently insufficient to determine the role of this variant in disease. Therefore, it has been classified as a Variant of Uncertain Significance.

Literature cited by the submitters: PubMed 25589632; PubMed 23975875.